The following is an entry in ClinVar:

ClinVar aggregate classification (germline): Benign/Likely benign. Review status: criteria provided, multiple submitters, no conflicts (2 of 4 stars). 6 submissions from 6 submitters: Benign (1); Likely benign (4). 1 of the submissions does not count toward it. Last evaluated 2026-01-12.

Conditions:
SZT2-related disorder. Also called: SZT2-related condition.
Inborn genetic diseases. Identifiers: MedGen C0950123, MeSH D030342.

Allele frequency attached by ClinVar (database versions not stated): gnomAD 0.00002 and 0.00024; TOPMed 0.00005; gnomAD exomes 0.00036 and 0.00066; ExAC 0.00068; 1000 Genomes Project 30x 0.00125; 1000 Genomes Project 0.00160.
gnomAD v4.1: 560 of 1,614,160 alleles (0.035%); highest among the groups gnomAD compares: South Asian, 0.59%; 6 homozygotes.

Submissions (6):

Labcorp Genetics (formerly Invitae), Labcorp
Classification: Benign. Last evaluated: 2026-01-12. Review status: criteria provided, single submitter. Criteria: Invitae Variant Classification Sherloc (09022015). Collection method: clinical testing. Allele origin: germline.

CeGaT Center for Human Genetics Tuebingen
Classification: Likely benign. Last evaluated: 2024-11-01. Review status: criteria provided, single submitter. Criteria: CeGaT Center For Human Genetics Tuebingen Variant Classification Criteria Version 2. Collection method: clinical testing. Allele origin: germline. Affected: yes. Observed: 1 variant allele.
Comment: SZT2: BP4

Blueprint Genetics
Classification: Likely benign. Last evaluated: 2024-10-08. Review status: criteria provided, single submitter. Criteria: ACMG Guidelines, 2015. Collection method: clinical testing. Allele origin: germline.

Ambry Genetics
Classification: Likely benign for Inborn genetic diseases. Last evaluated: 2023-03-24. Review status: criteria provided, single submitter. Criteria: Ambry Variant Classification Scheme 2023. Collection method: clinical testing. Allele origin: germline.

GeneDx
Classification: Likely benign. Last evaluated: 2020-06-23. Review status: criteria provided, single submitter. Criteria: GeneDx Variant Classification Process June 2021. Collection method: clinical testing. Allele origin: germline. Affected: yes.

PreventionGenetics, part of Exact Sciences
Classification: Likely benign for SZT2-related condition. Last evaluated: 2020-10-12. Review status: no assertion criteria provided. Collection method: clinical testing. Allele origin: germline. Not counted in ClinVar's aggregate classification.
Comment: This variant is classified as likely benign based on ACMG/AMP sequence variant interpretation guidelines (Richards et al. 2015 PMID: 25741868, with internal and published modifications).

NM_001365999.1(SZT2):c.7708G>A (p.Gly2570Arg)

Gene: SZT2 (SZT2 subunit of KICSTOR complex; plus strand). Cytogenetic location: 1p34.2.
Variant type: single nucleotide variant.
Coding change: c.7708G>A on transcript NM_001365999.1 (MANE Select); coding-DNA position 7708, G replaced by A.
Protein change: p.Gly2570Arg; replaces glycine 2570 with arginine.
Molecular consequence: missense variant.
Genome position (GRCh38, 1-based): chr1:43,441,784, G>A. VCF-style: chr1-43441784-G-A. GRCh37 (hg19) VCF-style: chr1-43907455-G-A.
Other names: c.7537G>A, p.Gly2513Arg (NM_015284.4); short protein forms G2570R, G2513R.
Identifiers: ClinVar variation 701091 (VCV000701091.33), dbSNP rs563782968, ClinGen allele CA810296.